The following is an entry in ClinVar:

ClinVar aggregate classification (germline): Uncertain significance (1 of 4 stars; one submission).

Submission:

Labcorp Genetics (formerly Invitae), Labcorp
Classification: Uncertain significance. Last evaluated: 2022-02-20. Review status: criteria provided, single submitter. Criteria: Invitae Variant Classification Sherloc (09022015). Collection method: clinical testing. Allele origin: germline.
Comment: In summary, the available evidence is currently insufficient to determine the role of this variant in disease. Therefore, it has been classified as a Variant of Uncertain Significance. Algorithms developed to predict the effect of missense changes on protein structure and function are either unavailable or do not agree on the potential impact of this missense change (SIFT: "Deleterious"; PolyPhen-2: "Probably Damaging"; Align-GVGD: "Class C0"). This variant has not been reported in the literature in individuals affected with VAV1-related conditions. This variant is present in population databases (rs774093642, gnomAD 0.0009%). This sequence change replaces arginine, which is basic and polar, with tryptophan, which is neutral and slightly polar, at codon 90 of the VAV1 protein (p.Arg90Trp).

NM_005428.4(VAV1):c.268C>T (p.Arg90Trp)

Gene: VAV1 (vav guanine nucleotide exchange factor 1; plus strand). Cytogenetic location: 19p13.3.
Variant type: single nucleotide variant.
Coding change: c.268C>T on transcript NM_005428.4 (MANE Select); coding-DNA position 268, C replaced by T.
Protein change: p.Arg90Trp; replaces arginine 90 with tryptophan.
Molecular consequence: missense variant.
Genome position (GRCh38, 1-based): chr19:6,820,765, C>T. VCF-style: chr19-6820765-C-T. GRCh37 (hg19) VCF-style: chr19-6820776-C-T.
Other names: c.268C>T, p.Arg90Trp (NM_001258206.2, NM_001258207.2); short protein forms R90W.
Identifiers: ClinVar variation 1953389 (VCV001953389.5), dbSNP rs774093642, ClinGen allele CA9132161.